The following is an entry in ClinVar:

ClinVar aggregate classification (germline): Uncertain significance (1 of 4 stars; one submission).

Conditions:
Inborn genetic diseases. Identifiers: MedGen C0950123, MeSH D030342.

Allele frequency attached by ClinVar (database versions not stated): gnomAD exomes 0.00001.
gnomAD v4.1: 3 of 1,614,176 alleles (0.00019%); highest among the groups gnomAD compares: South Asian, 0.0033%; no homozygotes.

Submission:

Ambry Genetics
Classification: Uncertain significance for Inborn genetic diseases. Last evaluated: 2023-02-21. Review status: criteria provided, single submitter. Criteria: Ambry Variant Classification Scheme 2023. Collection method: clinical testing. Allele origin: germline.
Comment: The p.P800L variant (also known as c.2399C>T), located in coding exon 15 of the EPAS1 gene, results from a C to T substitution at nucleotide position 2399. The proline at codon 800 is replaced by leucine, an amino acid with similar properties. This amino acid position is conserved. In addition, this alteration is predicted to be tolerated by in silico analysis. Since supporting evidence is limited at this time, the clinical significance of this alteration remains unclear.

NM_001430.5(EPAS1):c.2399C>T (p.Pro800Leu)

Gene: EPAS1 (endothelial PAS domain protein 1; plus strand). Cytogenetic location: 2p21.
Variant type: single nucleotide variant.
Coding change: c.2399C>T on transcript NM_001430.5 (MANE Select); coding-DNA position 2399, C replaced by T.
Protein change: p.Pro800Leu; replaces proline 800 with leucine.
Molecular consequence: missense variant.
Genome position (GRCh38, 1-based): chr2:46,382,536, C>T. VCF-style: chr2-46382536-C-T. GRCh37 (hg19) VCF-style: chr2-46609675-C-T.
Other names: short protein forms P800L.
Identifiers: ClinVar variation 2497562 (VCV002497562.2), dbSNP rs2103678295, ClinGen allele CA346706250.